The following is an entry in ClinVar:

ClinVar aggregate classification (germline): Uncertain significance (1 of 4 stars; one submission).

Conditions:
Familial hypobetalipoproteinemia 1. Also called: APOB-Related Familial Hypobetalipoproteinemia; Hypobetalipoproteinemia, normotriglyceridemic; Acanthocytosis with hypobetalipoproteinemia. Identifiers: MedGen C4551990, MONDO:0014252, OMIM 615558.
Hypercholesterolemia, autosomal dominant, type B (FHCL2). Also called: Familial Hypercholesterolemia Type B; APOLIPOPROTEIN B-100, FAMILIAL DEFECTIVE; APOLIPOPROTEIN B-100, FAMILIAL LIGAND-DEFECTIVE; HYPERCHOLESTEROLEMIA, FAMILIAL, DUE TO LIGAND-DEFECTIVE APOLIPOPROTEIN B; Hyperlipoproteinemia Type IIb; Familial hypercholesterolemia 2. Identifiers: MedGen C1704417, MONDO:0007751, OMIM 144010.

Submission:

Labcorp Genetics (formerly Invitae), Labcorp
Classification: Uncertain significance for Familial hypobetalipoproteinemia 1; Hypercholesterolemia, autosomal dominant, type B. Last evaluated: 2022-12-26. Review status: criteria provided, single submitter. Criteria: Invitae Variant Classification Sherloc (09022015). Collection method: clinical testing. Allele origin: germline.
Comment: In summary, the available evidence is currently insufficient to determine the role of this variant in disease. Therefore, it has been classified as a Variant of Uncertain Significance. Advanced modeling of protein sequence and biophysical properties (such as structural, functional, and spatial information, amino acid conservation, physicochemical variation, residue mobility, and thermodynamic stability) performed at Invitae indicates that this missense variant is not expected to disrupt APOB protein function. This variant has not been reported in the literature in individuals affected with APOB-related conditions. This variant is not present in population databases (gnomAD no frequency). This sequence change replaces glutamic acid, which is acidic and polar, with aspartic acid, which is acidic and polar, at codon 951 of the APOB protein (p.Glu951Asp).

NM_000384.3(APOB):c.2853G>C (p.Glu951Asp)

Gene: APOB (apolipoprotein B; minus strand). Cytogenetic location: 2p24.1.
Variant type: single nucleotide variant.
Coding change: c.2853G>C on transcript NM_000384.3 (MANE Select); coding-DNA position 2853, G replaced by C.
Protein change: p.Glu951Asp; replaces glutamic acid 951 with aspartic acid.
Molecular consequence: missense variant.
Genome position (GRCh38, 1-based): chr2:21,019,869, C>G on the plus strand (G>C on the coding strand, the complement: APOB is on the minus strand). VCF-style: chr2-21019869-C-G. GRCh37 (hg19) VCF-style: chr2-21242741-C-G.
Other names: short protein forms E951D.
Identifiers: ClinVar variation 2942712 (VCV002942712.3), dbSNP rs151193347, ClinGen allele CA346010382.
Genomic context (GRCh38, chr2:21,019,869, plus strand): 5'-AGGAAAGACTTGCTTGCAAACTGACCAGGACTGCCTGTTCTCAATGAGAGGTGGGATCAC[C>G]TCCGTTTTGGTGGTAGAGACCAAATGTAATGTGTTGCTGGTGAAGAACAAAAATACCTGA-3'
Protein context (NP_000375.3, residues 941-961): TLHLVSTTKT[Glu951Asp]VIPPLIENRQ